The following is an entry in ClinVar:

ClinVar aggregate classification (germline): Uncertain significance. Review status: criteria provided, multiple submitters, no conflicts (2 of 4 stars). 2 submissions from 2 submitters: Uncertain significance (2). Last evaluated 2023-05-28.

Conditions:
Familial cancer of breast. Also called: Hereditary breast cancer; BREAST CANCER, FAMILIAL; hereditary breast carcinoma. Identifiers: Orphanet 227535, MedGen C0346153, MONDO:0016419, OMIM 114480. Disease mechanism: loss of function.
Fanconi anemia complementation group J. Also called: BRIP1-Related Fanconi Anemia. Identifiers: Orphanet 84, MedGen C1836860, MONDO:0012187, OMIM 609054.
Hereditary cancer-predisposing syndrome. Also called: Neoplastic Syndromes, Hereditary; Hereditary Cancer Syndrome; Tumor predisposition; Hereditary neoplastic syndrome. Identifiers: Orphanet 140162, MedGen C0027672, MeSH D009386, MONDO:0015356.

Submissions (2):

Ambry Genetics
Classification: Uncertain significance for Hereditary cancer-predisposing syndrome. Last evaluated: 2023-05-28. Review status: criteria provided, single submitter. Criteria: Ambry Variant Classification Scheme 2023. Collection method: clinical testing. Allele origin: germline.
Comment: The p.E399Q variant (also known as c.1195G>C), located in coding exon 8 of the BRIP1 gene, results from a G to C substitution at nucleotide position 1195. The glutamic acid at codon 399 is replaced by glutamine, an amino acid with highly similar properties. This amino acid position is conserved. In addition, the in silico prediction for this alteration is inconclusive. Since supporting evidence is limited at this time, the clinical significance of this alteration remains unclear.

Labcorp Genetics (formerly Invitae), Labcorp
Classification: Uncertain significance for Familial cancer of breast; Fanconi anemia complementation group J. Last evaluated: 2021-06-05. Review status: criteria provided, single submitter. Criteria: Invitae Variant Classification Sherloc (09022015). Collection method: clinical testing. Allele origin: germline.
Comment: Advanced modeling of protein sequence and biophysical properties (such as structural, functional, and spatial information, amino acid conservation, physicochemical variation, residue mobility, and thermodynamic stability) performed at Invitae indicates that this missense variant is expected to disrupt BRIP1 protein function. In summary, the available evidence is currently insufficient to determine the role of this variant in disease. Therefore, it has been classified as a Variant of Uncertain Significance. This variant has not been reported in the literature in individuals with BRIP1-related conditions. This variant is not present in population databases (ExAC no frequency). This sequence change replaces glutamic acid with glutamine at codon 399 of the BRIP1 protein (p.Glu399Gln). The glutamic acid residue is highly conserved and there is a small physicochemical difference between glutamic acid and glutamine.

NM_032043.3(BRIP1):c.1195G>C (p.Glu399Gln)

Gene: BRIP1 (BRCA1 interacting DNA helicase 1; minus strand). Cytogenetic location: 17q23.2.
Variant type: single nucleotide variant.
Coding change: c.1195G>C on transcript NM_032043.3 (MANE Select); coding-DNA position 1195, G replaced by C.
Protein change: p.Glu399Gln; replaces glutamic acid 399 with glutamine.
Molecular consequence: missense variant.
Genome position (GRCh38, 1-based): chr17:61,799,245, C>G on the plus strand (G>C on the coding strand, the complement: BRIP1 is on the minus strand). VCF-style: chr17-61799245-C-G. GRCh37 (hg19) VCF-style: chr17-59876606-C-G.
Other names: c.1195G>C (NM_032043.2); short protein forms E399Q.
Identifiers: ClinVar variation 1465609 (VCV001465609.10), dbSNP rs587782816, ClinGen allele CA400483717.
Genomic context (GRCh38, chr17:61,799,245, plus strand): 5'-GAGCAAACCGAAGCTGAACTTCTGTTACACTGTAACTTGCTGATTCCCGAGCACAGTCCT[C>G]GATGTTATGAGCTTCATCTAAAATGACAACCTGTTCTTTCAGATTTAAATCCATCTATAA-3'
Protein context (NP_114432.2, residues 389-409): VVILDEAHNI[Glu399Gln]DCARESASYS